The following is an entry in ClinVar:

NM_003924.4(PHOX2B):c.543C>A (p.Asp181Glu)

Gene: PHOX2B (paired like homeobox 2B; minus strand). Cytogenetic location: 4p13.
Variant type: single nucleotide variant.
Coding change: c.543C>A on transcript NM_003924.4 (MANE Select); coding-DNA position 543, C replaced by A.
Protein change: p.Asp181Glu; replaces aspartic acid 181 with glutamic acid.
Molecular consequence: missense variant.
Genome position (GRCh38, 1-based): chr4:41,746,209, G>T on the plus strand (C>A on the coding strand, the complement: PHOX2B is on the minus strand). VCF-style: chr4-41746209-G-T. GRCh37 (hg19) VCF-style: chr4-41748226-G-T.
Other names: short protein forms D181E.
Identifiers: ClinVar variation 4861816 (VCV004861816.1).

ClinVar aggregate classification (germline): Uncertain significance (1 of 4 stars; one submission).

Conditions:
Hereditary cancer-predisposing syndrome. Also called: Neoplastic Syndromes, Hereditary; Tumor predisposition; Hereditary Cancer Syndrome; Hereditary neoplastic syndrome. Identifiers: Orphanet 140162, MedGen C0027672, MeSH D009386, MONDO:0015356.

Submission:

Ambry Genetics
Classification: Uncertain significance for Hereditary cancer-predisposing syndrome. Last evaluated: 2026-05-14. Review status: criteria provided, single submitter. Criteria: Ambry Variant Classification Scheme 2023. Collection method: clinical testing. Allele origin: germline.
Comment: The p.D181E variant (also known as c.543C>A), located in coding exon 3 of the PHOX2B gene, results from a C to A substitution at nucleotide position 543. The aspartic acid at codon 181 is replaced by glutamic acid, an amino acid with highly similar properties. This amino acid position is conserved. In addition, this alteration is predicted to be tolerated by in silico analysis. Based on the available evidence, the clinical significance of this variant remains unclear.